The following is an entry in ClinVar:

NM_019074.4(DLL4):c.2048C>T (p.Thr683Met)

Gene: DLL4 (delta like canonical Notch ligand 4; plus strand). Cytogenetic location: 15q15.1.
Variant type: single nucleotide variant.
Coding change: c.2048C>T on transcript NM_019074.4 (MANE Select); coding-DNA position 2048, C replaced by T.
Protein change: p.Thr683Met; replaces threonine 683 with methionine.
Molecular consequence: missense variant.
Genome position (GRCh38, 1-based): chr15:40,937,522, C>T. VCF-style: chr15-40937522-C-T. GRCh37 (hg19) VCF-style: chr15-41229720-C-T.
Other names: short protein forms T683M.
Identifiers: ClinVar variation 5005394 (VCV005005394.2).
Genomic context (GRCh38, chr15:40,937,522, plus strand): 5'-ACTCCATGTACCAGTCTGTGTGTTTGATATCAGAGGAGAGGAATGAATGTGTCATTGCCA[C>T]GGAGGTGAGTGCTGGGCTCGCCTTTCCTTCTGCCTTTTGTGGGAGGGAAAGTGGCCTGGT-3'
Protein context (NP_061947.1, residues 673-685): SEERNECVIA[Thr683Met]EV

ClinVar aggregate classification (germline): Uncertain significance (1 of 4 stars; one submission).

Conditions:
Adams-Oliver syndrome 6 (AOS6). Identifiers: Orphanet 974, MedGen C4225271, MONDO:0014703, OMIM 616589.

gnomAD v4.1: 12 of 1,604,530 alleles (0.00075%); highest among the groups gnomAD compares: African/African-American, 0.0027%; no homozygotes.

Submission:

Juno Genomics, Hangzhou Juno Genomics, Inc
Classification: Uncertain significance for Adams-Oliver syndrome 6. Review status: criteria provided, single submitter. Criteria: ACMG Guidelines, 2015. Collection method: clinical testing. Allele origin: germline.
Comment: Absent from controls (or at extremely low frequency if recessive) in Genome Aggregation Database.;Missense variant in a gene that has a low rate of benign missense variation.;Multiple lines of computational evidence support a deleterious effect on the gene or gene product.